The following is an entry in ClinVar:

NM_000310.4(PPT1):c.741C>A (p.Tyr247Ter)

Gene: PPT1 (palmitoyl-protein thioesterase 1; minus strand). Cytogenetic location: 1p34.2.
Variant type: single nucleotide variant.
Coding change: c.741C>A on transcript NM_000310.4 (MANE Select); coding-DNA position 741, C replaced by A.
Protein change: p.Tyr247Ter; replaces tyrosine 247 with a stop codon.
Molecular consequence: nonsense. On other transcripts: intron variant (1).
Genome position (GRCh38, 1-based): chr1:40,076,899, G>T on the plus strand (C>A on the coding strand, the complement: PPT1 is on the minus strand). VCF-style: chr1-40076899-G-T. GRCh37 (hg19) VCF-style: chr1-40542571-G-T.
Other names: c.432C>A, p.Tyr144Ter (NM_001142604.2); c.726+1661C>A (NM_001363695.2); short protein forms Y144*, Y247*.
Identifiers: ClinVar variation 1388947 (VCV001388947.6), dbSNP rs2124470378, ClinGen allele CA339846476.

ClinVar aggregate classification (germline): Pathogenic (1 of 4 stars; one submission).

Conditions:
Neuronal ceroid lipofuscinosis 1 (CLN1). Also called: CEROID LIPOFUSCINOSIS, NEURONAL, 1, VARIABLE AGE AT ONSET; PPT1-Related Neuronal Ceroid-Lipofuscinosis. Identifiers: Orphanet 228329, MedGen C1850451, MONDO:0009744, OMIM 256730.

Submission:

Labcorp Genetics (formerly Invitae), Labcorp
Classification: Pathogenic for Neuronal ceroid lipofuscinosis 1. Last evaluated: 2021-01-12. Review status: criteria provided, single submitter. Criteria: Invitae Variant Classification Sherloc (09022015). Collection method: clinical testing. Allele origin: germline.
Comment: For these reasons, this variant has been classified as Pathogenic. This variant has not been reported in the literature in individuals with PPT1-related conditions. This variant is not present in population databases (ExAC no frequency). This sequence change creates a premature translational stop signal (p.Tyr247*) in the PPT1 gene. It is expected to result in an absent or disrupted protein product. Loss-of-function variants in PPT1 are known to be pathogenic (PMID: 10679943, 21990111).

Literature cited by the submitters: PubMed 10679943; PubMed 21990111.